The following is an entry in ClinVar:

ClinVar aggregate classification (germline): Uncertain significance (1 of 4 stars; one submission).

Submission:

GeneDx
Classification: Uncertain significance. Last evaluated: 2023-06-06. Review status: criteria provided, single submitter. Criteria: GeneDx Variant Classification Process June 2021. Collection method: clinical testing. Allele origin: germline. Affected: yes.
Comment: Not observed at significant frequency in large population cohorts (gnomAD); In silico analysis supports that this missense variant does not alter protein structure/function; Has not been previously published as pathogenic or benign to our knowledge

NM_138927.4(SON):c.185T>C (p.Val62Ala)

Gene: SON (SON DNA and RNA binding protein; plus strand). Cytogenetic location: 21q22.11.
Variant type: single nucleotide variant.
Coding change: c.185T>C on transcript NM_138927.4 (MANE Select); coding-DNA position 185, T replaced by C.
Protein change: p.Val62Ala; replaces valine 62 with alanine.
Molecular consequence: missense variant. On other transcripts: non-coding transcript variant (1).
Genome position (GRCh38, 1-based): chr21:33,546,320, T>C. VCF-style: chr21-33546320-T-C. GRCh37 (hg19) VCF-style: chr21-34918626-T-C.
Other names: c.185T>C, p.Val62Ala (NM_001291411.2, NM_001291412.3, NM_032195.3); short protein forms V62A.
Identifiers: ClinVar variation 3359572 (VCV003359572.1).